The following is an entry in ClinVar:

NM_014336.5(AIPL1):c.462G>A (p.Leu154=)

Gene: AIPL1 (AIP like 1 HSP90 co-chaperone; minus strand). Cytogenetic location: 17p13.2.
Variant type: single nucleotide variant.
Coding change: c.462G>A on transcript NM_014336.5 (MANE Select); coding-DNA position 462, G replaced by A.
Protein change: p.Leu154=; no amino-acid change (leucine 154 retained).
Molecular consequence: synonymous variant. On other transcripts: intron variant (1).
Genome position (GRCh38, 1-based): chr17:6,428,321, C>T on the plus strand (G>A on the coding strand, the complement: AIPL1 is on the minus strand). VCF-style: chr17-6428321-C-T. GRCh37 (hg19) VCF-style: chr17-6331641-C-T.
Other names: c.462G>A (NM_014336.4); c.282G>A, p.Leu94= (NM_001033055.3); c.426G>A, p.Leu142= (NM_001285399.3); c.396G>A, p.Leu132= (NM_001285400.3); c.462G>A, p.Leu154= (NM_001285401.3, NM_001285403.4); c.345G>A, p.Leu115= (NM_001285402.2); c.277-1264G>A (NM_001033054.3).
Identifiers: ClinVar variation 2792868 (VCV002792868.4), dbSNP rs1185936296, ClinGen allele CA497584867.

ClinVar aggregate classification (germline): Likely benign. Review status: criteria provided, multiple submitters, no conflicts (2 of 4 stars). 2 submissions from 2 submitters: Likely benign (2). Last evaluated 2025-12-07.

Conditions:
AIPL1-related disorder. Also called: AIPL1-related condition; AIPL1-related disorders. Identifiers: MedGen CN239169.
Leber congenital amaurosis 4 (LCA4). Identifiers: MedGen C1858386, MONDO:0011458, OMIM 604393.

Allele frequency attached by ClinVar (database versions not stated): TOPMed below 0.00001.

Submissions (2):

PreventionGenetics, part of Exact Sciences
Classification: Likely benign for AIPL1-related condition. Last evaluated: 2025-12-07. Review status: criteria provided, single submitter. Criteria: ACMG Guidelines, 2015. Collection method: clinical testing. Allele origin: germline.
Comment: This variant is classified as likely benign based on ACMG/AMP sequence variant interpretation guidelines (Richards et al. 2015 PMID: 25741868, with internal and published modifications).

Labcorp Genetics (formerly Invitae), Labcorp
Classification: Likely benign for Leber congenital amaurosis 4. Last evaluated: 2024-08-01. Review status: criteria provided, single submitter. Criteria: Invitae Variant Classification Sherloc (09022015). Collection method: clinical testing. Allele origin: germline.